The following is an entry in ClinVar:

ClinVar aggregate classification (germline): Pathogenic (1 of 4 stars; one submission).

Conditions:
Supravalvar aortic stenosis (SVAS). Also called: Supravalvar aortic stenosis, Eisenberg type. Identifiers: Orphanet 3193, MedGen C0003499, MONDO:0008504, OMIM 185500, HP:0004381.

Submission:

Labcorp Genetics (formerly Invitae), Labcorp
Classification: Pathogenic for Supravalvar aortic stenosis. Last evaluated: 2020-02-19. Review status: criteria provided, single submitter. Criteria: Invitae Variant Classification Sherloc (09022015). Collection method: clinical testing. Allele origin: germline.
Comment: For these reasons, this variant has been classified as Pathogenic. The region of the ELN gene that includes exon(s) 34 has been determined to be clinically significant (PMID: 30228022). Therefore, deletions that encompass that region are likely to disrupt protein function and cause disease. This variant has not been reported in the literature in individuals with ELN-related conditions. This variant is a gross deletion of the genomic region encompassing exons 22-34 of the ELN gene. The 5' boundary is likely confined to intron 21. The 3' end of this event is unknown as it extends through the termination codon beyond the assayed region for this gene and may encompass additional genes. While this deletion is not anticipated to result in nonsense mediated decay, it is expected to create a truncated protein product or disrupt mRNA translation.

Literature cited by the submitters: PubMed 30228022.

NC_000007.13:g.(?_73471702)_(73483040_?)del

Gene: ELN (elastin; plus strand). Cytogenetic location: 7q11.23.
Variant type: Deletion.
Identifiers: ClinVar variation 1071516 (VCV001071516.7).